The following is an entry in ClinVar:

ClinVar aggregate classification (germline): Uncertain significance. Review status: criteria provided, multiple submitters, no conflicts (2 of 4 stars). 9 submissions from 8 submitters: Uncertain significance (8). 1 of the submissions does not count toward it. Last evaluated 2024-01-09.

Conditions:
TRIM32-related disorder. Also called: TRIM32-related condition.
Bardet-Biedl syndrome 11 (BBS11). Identifiers: Orphanet 110, MedGen C1859569, MONDO:0014439, OMIM 615988.
Sarcotubular myopathy (LGMDR8). Also called: Hutterite type of muscular dystrophy; Autosomal recessive limb-girdle muscular dystrophy type 2H; MUSCULAR DYSTROPHY, LIMB-GIRDLE, AUTOSOMAL RECESSIVE 8; Limb-girdle muscular dystrophy, type 2H. Identifiers: Orphanet 1878, MedGen C0270968, MONDO:0009683, OMIM 254110.
Bardet-Biedl syndrome (BBS). Identifiers: Orphanet 110, MedGen C0752166, MONDO:0015229.

Allele frequency attached by ClinVar (database versions not stated): gnomAD exomes 0.00002; ExAC 0.00003; gnomAD 0.00003; TOPMed 0.00003.
gnomAD v4.1: 57 of 1,614,084 alleles (0.0035%); highest among the groups gnomAD compares: Non-Finnish European, 0.0043%; no homozygotes.

Submissions (9):

Blueprint Genetics
Classification: Uncertain significance. Last evaluated: 2024-01-09. Review status: criteria provided, single submitter. Criteria: ACMG Guidelines, 2015. Collection method: clinical testing. Allele origin: germline.

Labcorp Genetics (formerly Invitae), Labcorp
Classification: Uncertain significance for Bardet-Biedl syndrome. Last evaluated: 2022-07-12. Review status: criteria provided, single submitter. Criteria: Invitae Variant Classification Sherloc (09022015). Collection method: clinical testing. Allele origin: germline.
Comment: This sequence change replaces arginine, which is basic and polar, with cysteine, which is neutral and slightly polar, at codon 390 of the TRIM32 protein (p.Arg390Cys). This variant is present in population databases (rs754554333, gnomAD 0.007%). This variant has not been reported in the literature in individuals affected with TRIM32-related conditions. ClinVar contains an entry for this variant (Variation ID: 451845). Algorithms developed to predict the effect of missense changes on protein structure and function are either unavailable or do not agree on the potential impact of this missense change (SIFT: "Deleterious"; PolyPhen-2: "Benign"; Align-GVGD: "Class C65"). In summary, the available evidence is currently insufficient to determine the role of this variant in disease. Therefore, it has been classified as a Variant of Uncertain Significance.

Revvity Omics, Revvity
Classification: Uncertain significance. Last evaluated: 2019-06-06. Review status: criteria provided, single submitter. Criteria: ACMG Guidelines, 2015. Collection method: clinical testing. Allele origin: germline.

Fulgent Genetics
Classification: Uncertain significance for Sarcotubular myopathy; Bardet-Biedl syndrome 11. Last evaluated: 2018-10-31. Review status: criteria provided, single submitter. Criteria: ACMG Guidelines, 2015. Collection method: clinical testing. Allele origin: unknown.

GeneDx
Classification: Uncertain significance. Last evaluated: 2017-09-05. Review status: criteria provided, single submitter. Criteria: GeneDx Variant Classification (06012015). Collection method: clinical testing. Allele origin: germline. Affected: yes.
Comment: The R390C variant has not been published as a pathogenic variant, nor has it been reported as a benign variant to our knowledge. The R390C variant is not observed at a significant frequency in large population cohorts (Lek et al., 2016; 1000 Genomes Consortium et al., 2015; Exome Variant Server). This variant is a non-conservative amino acid substitution, which is likely to impact secondary protein structure as these residues differ in polarity, charge, size and/or other properties. This substitution occurs at a position that is conserved across species. In silico analysis is inconsistent in its predictions as to whether or not the variant is damaging to the protein structure/function.

Illumina Laboratory Services, Illumina
Classification: Uncertain significance for Bardet-Biedl syndrome 11. Last evaluated: 2017-04-27. Review status: criteria provided, single submitter. Criteria: ICSL Variant Classification Criteria 13 December 2019. Collection method: clinical testing. Allele origin: germline.

Illumina Laboratory Services, Illumina
Classification: Uncertain significance for Sarcotubular myopathy. Last evaluated: 2017-04-27. Review status: criteria provided, single submitter. Criteria: ICSL Variant Classification Criteria 13 December 2019. Collection method: clinical testing. Allele origin: germline.

Eurofins Ntd Llc (ga)
Classification: Uncertain significance. Last evaluated: 2017-03-07. Review status: criteria provided, single submitter. Criteria: EGL Classification Definitions 2015. Collection method: clinical testing. Allele origin: germline. Observed: 1 variant allele, 1 heterozygote.

PreventionGenetics, part of Exact Sciences
Classification: Uncertain significance for TRIM32-related condition. Last evaluated: 2024-04-01. Review status: no assertion criteria provided. Collection method: clinical testing. Allele origin: germline. Not counted in ClinVar's aggregate classification.
Comment: The TRIM32 c.1168C>T variant is predicted to result in the amino acid substitution p.Arg390Cys. To our knowledge, this variant has not been reported in the literature. This variant is reported in 0.0062% of alleles in individuals of African descent in gnomAD. At this time, the clinical significance of this variant is uncertain due to the absence of conclusive functional and genetic evidence.

NM_012210.4(TRIM32):c.1168C>T (p.Arg390Cys)

Genes: ASTN2 (astrotactin 2; minus strand), TRIM32 (tripartite motif containing 32; plus strand). Cytogenetic location: 9q33.1.
Variant type: single nucleotide variant.
Coding change: c.1168C>T on transcript NM_012210.4 (MANE Select); coding-DNA position 1168, C replaced by T.
Protein change: p.Arg390Cys; replaces arginine 390 with cysteine.
Molecular consequence: missense variant. On other transcripts: intron variant (3).
Genome position (GRCh38, 1-based): chr9:116,698,910, C>T. VCF-style: chr9-116698910-C-T. GRCh37 (hg19) VCF-style: chr9-119461189-C-T.
Other names: c.1168C>T, p.Arg390Cys (NM_001099679.2, NM_001379048.1, NM_001379049.1 and 1 more transcripts); c.2653+26861G>A (NM_014010.5); c.2794+26861G>A (NM_001365069.1); c.2806+26861G>A (NM_001365068.1); short protein forms R390C.
Identifiers: ClinVar variation 451845 (VCV000451845.19), dbSNP rs754554333, ClinGen allele CA5211112.